The following is an entry in ClinVar:

NM_033380.3(COL4A5):c.757delinsCT (p.Val253fs)

Gene: COL4A5 (collagen type IV alpha 5 chain; plus strand). Cytogenetic location: Xq22.3.
Variant type: Indel.
Coding change: c.757delinsCT on transcript NM_033380.3 (MANE Select); coding-DNA position 757, G replaced by CT.
Protein change: p.Val253fs; shifts the reading frame from valine 253.
Molecular consequence: frameshift variant.
Genome position (GRCh38, 1-based): chrX:108,578,360, G replaced by CT. VCF-style: chrX-108578360-G-CT. GRCh37 (hg19) VCF-style: chrX-107821590-G-CT.
Other names: c.757delinsCT, p.Val253fs (NM_000495.5); short protein forms V253fs.
Identifiers: ClinVar variation 988115 (VCV000988115.1), dbSNP rs2066189282, ClinGen allele CA2450682338.
Genomic context (GRCh38, chrX:108,578,360, plus strand): 5'-GGTCTTCAGGGCCCACCTGGGCCACCTGGGCAGATCAGTGAACAGAAAAGACCAATTGAT[G>CT]TAGAGTTTCAGAAAGGAGATCAGGTGAGTAAGTAGGGAGGAAGTCAATGAAAATCTTGCT-3'

ClinVar aggregate classification (germline): Pathogenic (0 of 4 stars; one submission).

Conditions:
Alport syndrome. Also called: Hemorrhagic familial nephritis; Hemorrhagic hereditary nephritis; Congenital hereditary hematuria. Identifiers: Orphanet 63, MedGen C1567741, MONDO:0018965.

Submission:

Sydney Genome Diagnostics, Children's Hospital Westmead
Classification: Pathogenic for Alport syndrome. Last evaluated: 2018-08-27. Review status: no assertion criteria provided. Collection method: clinical testing. Allele origin: unknown. Affected: yes. Observed: 1 variant allele, 1 hemizygote.
Comment: This frameshifting variant is predicted to create a premature stop codon 12 positions downstream (p.Val253Leufs*13), and may result in a null allele due to nonsense-mediated mRNA decay. To our knowledge, this variant has not been previously reported. However, other frameshifting variants downstream have been reported in patients with X-linked Alport syndrome in the Alport COL4A5 database suggesting that the variant is likely to be pathogenic.